The following is an entry in ClinVar:

NM_001378452.1(ITPR1):c.2438C>T (p.Ser813Leu)

Gene: ITPR1 (inositol 1,4,5-trisphosphate receptor type 1; plus strand). Cytogenetic location: 3p26.1.
Variant type: single nucleotide variant.
Coding change: c.2438C>T on transcript NM_001378452.1 (MANE Select); coding-DNA position 2438, C replaced by T.
Protein change: p.Ser813Leu; replaces serine 813 with leucine.
Molecular consequence: missense variant.
Genome position (GRCh38, 1-based): chr3:4,673,369, C>T. VCF-style: chr3-4673369-C-T. GRCh37 (hg19) VCF-style: chr3-4715053-C-T.
Other names: c.2438C>T, p.Ser813Leu (NM_001099952.4); c.2393C>T, p.Ser798Leu (NM_001168272.2, NM_002222.7); short protein forms S813L, S798L.
Identifiers: ClinVar variation 3715301 (VCV003715301.2).

ClinVar aggregate classification (germline): Uncertain significance (1 of 4 stars; one submission).

gnomAD v4.1: 9 of 1,608,394 alleles (0.00056%); highest among the groups gnomAD compares: South Asian, 0.0022%; no homozygotes.

Submission:

Labcorp Genetics (formerly Invitae), Labcorp
Classification: Uncertain significance. Last evaluated: 2025-10-02. Review status: criteria provided, single submitter. Criteria: Invitae Variant Classification Sherloc (09022015). Collection method: clinical testing. Allele origin: germline.
Comment: This sequence change replaces serine, which is neutral and polar, with leucine, which is neutral and non-polar, at codon 798 of the ITPR1 protein (p.Ser798Leu). This variant is present in population databases (rs781212876, gnomAD 0.007%). This variant has not been reported in the literature in individuals affected with ITPR1-related conditions. ClinVar contains an entry for this variant (Variation ID: 3715301). Invitae Evidence Modeling of protein sequence and biophysical properties (such as structural, functional, and spatial information, amino acid conservation, physicochemical variation, residue mobility, and thermodynamic stability) indicates that this missense variant is not expected to disrupt ITPR1 protein function with a negative predictive value of 95%. In summary, the available evidence is currently insufficient to determine the role of this variant in disease. Therefore, it has been classified as a Variant of Uncertain Significance.